The following is an entry in ClinVar:

NM_015978.3(TNNI3K):c.2314G>A (p.Ala772Thr)

Genes: FPGT-TNNI3K (FPGT-TNNI3K readthrough; plus strand), LRRC53 (leucine rich repeat containing 53; minus strand), TNNI3K (TNNI3 interacting kinase; plus strand). Cytogenetic location: 1p31.1.
Variant type: single nucleotide variant.
Coding change: c.2314G>A on transcript NM_015978.3 (MANE Select); coding-DNA position 2314, G replaced by A.
Protein change: p.Ala772Thr; replaces alanine 772 with threonine.
Molecular consequence: missense variant. On other transcripts: intron variant (2).
Genome position (GRCh38, 1-based): chr1:74,492,229, G>A. VCF-style: chr1-74492229-G-A. GRCh37 (hg19) VCF-style: chr1-74957913-G-A.
Other names: c.2617G>A, p.Ala873Thr (NM_001112808.3); c.-8-11261C>T (NM_001364666.2); c.-26-8854C>T (NM_001382280.1); short protein forms A772T, A873T.
Identifiers: ClinVar variation 1349775 (VCV001349775.8), dbSNP rs2100305262, ClinGen allele CA340799488.
Genomic context (GRCh38, chr1:74,492,229, plus strand): 5'-CGGGGAGGACCTGGCCGGAGTCATGTGGCAGCATTAAGAAGTCGTTTCGAATTGGAATAT[G>A]CTCTAAATGCAAGGTCCTATGCTGCTTTGTCCCAAAGGTGAGTGGTAATATAAGCAAATC-3'
Protein context (NP_057062.1, residues 762-782): ALRSRFELEY[Ala772Thr]LNARSYAALS

ClinVar aggregate classification (germline): Uncertain significance (1 of 4 stars; one submission).

Submission:

Labcorp Genetics (formerly Invitae), Labcorp
Classification: Uncertain significance. Last evaluated: 2021-04-28. Review status: criteria provided, single submitter. Criteria: Invitae Variant Classification Sherloc (09022015). Collection method: clinical testing. Allele origin: germline.
Comment: In summary, the available evidence is currently insufficient to determine the role of this variant in disease. Therefore, it has been classified as a Variant of Uncertain Significance. Algorithms developed to predict the effect of missense changes on protein structure and function (SIFT, PolyPhen-2, Align-GVGD) all suggest that this variant is likely to be disruptive, but these predictions have not been confirmed by published functional studies and their clinical significance is uncertain. This variant has not been reported in the literature in individuals with TNNI3K-related conditions. This variant is not present in population databases (ExAC no frequency). This sequence change replaces alanine with threonine at codon 772 of the TNNI3K protein (p.Ala772Thr). The alanine residue is highly conserved and there is a small physicochemical difference between alanine and threonine.